The following is an entry in ClinVar:

ClinVar aggregate classification (germline): Likely benign. Review status: criteria provided, multiple submitters, no conflicts (2 of 4 stars). 2 submissions from 2 submitters: Likely benign (2). Last evaluated 2023-10-18.

Conditions:
Hereditary breast ovarian cancer syndrome. Also called: Hereditary breast and ovarian cancer syndrome; Breast and ovarian cancer; Hereditary breast and ovarian cancer syndrome (HBOC); Hereditary breast and/or ovarian cancer syndrome; BRCA1- and BRCA2-Associated Hereditary Breast and Ovarian Cancer; Hereditary breast and ovarian cancer. Identifiers: Orphanet 145, MedGen C0677776, MeSH D061325, MONDO:0003582. Disease mechanism: loss of function.

Allele frequency attached by ClinVar (database versions not stated): gnomAD exomes below 0.00001; TOPMed 0.00001.
gnomAD v4.1: 2 of 1,608,594 alleles (0.00012%); highest among the groups gnomAD compares: East Asian, 0.0022%; no homozygotes.

Submissions (3):

Labcorp Genetics (formerly Invitae), Labcorp
Classification: Likely benign for Hereditary breast ovarian cancer syndrome. Last evaluated: 2023-10-18. Review status: criteria provided, single submitter. Criteria: Invitae Variant Classification Sherloc (09022015). Collection method: clinical testing. Allele origin: germline.

GeneDx
Classification: Likely benign. Last evaluated: 2015-07-28. Review status: criteria provided, single submitter. Criteria: GeneDx Variant Classification (06012015). Collection method: clinical testing. Allele origin: germline. Affected: yes.
Comment: This variant is considered likely benign or benign based on one or more of the following criteria: it is a conservative change, it occurs at a poorly conserved position in the protein, it is predicted to be benign by multiple in silico algorithms, and/or has population frequency not consistent with disease.

Brotman Baty Institute, University of Washington
No classification provided (evidence only). Condition: Breast-ovarian cancer, familial 1. Review status: no classification provided. Collection method: in vitro. Allele origin: not applicable. Functional consequence: functionally_normal. Not counted in ClinVar's aggregate classification.
ClinVar note: "not provided" was previously submitted as the classification for the variant. However, the classification appeared to be based only on an observation of functional data so it was converted to no classification on 2025-07-30.

NM_007294.4(BRCA1):c.81-16C>A

Gene: BRCA1 (BRCA1 DNA repair associated; minus strand). Cytogenetic location: 17q21.31.
Variant type: single nucleotide variant.
Coding change: c.81-16C>A on transcript NM_007294.4 (MANE Select); 16 bases into the intron before coding-DNA position 81, C replaced by A.
Molecular consequence: intron variant.
Genome position (GRCh38, 1-based): chr17:43,115,795, G>T on the plus strand (C>A on the coding strand, the complement: BRCA1 is on the minus strand). VCF-style: chr17-43115795-G-T. GRCh37 (hg19) VCF-style: chr17-41267812-G-T.
Other names: c.-61-16C>A (NM_001408458.1, NM_001408470.1, NM_001407848.1 and 47 more transcripts); c.-219+9482C>A (NM_001407967.1); c.-170+9482C>A (NM_001407959.1); c.-7-9262C>A (NM_001407931.1, NM_001407747.1, NM_001408511.1 and 2 more transcripts); c.-223-16C>A (NM_001407962.1, NM_001408512.1, NM_001408510.1 and 1 more transcripts); c.-108-16C>A (NM_001407885.1, NM_001407886.1, NM_001408509.1 and 52 more transcripts); c.-177-16C>A (NM_001407746.1, NM_001408468.1, NM_001407842.1 and 13 more transcripts); c.-8+8222C>A (NM_001408461.1, NM_001407738.1, NM_001407932.1 and 23 more transcripts); and 10 more.
Identifiers: ClinVar variation 380343 (VCV000380343.23), dbSNP rs1057520829, ClinGen allele CA16607647.